The following is an entry in ClinVar:

ClinVar aggregate classification (germline): Benign. Review status: criteria provided, multiple submitters, no conflicts (2 of 4 stars). 6 submissions from 6 submitters: Benign (6). Last evaluated 2026-02-03.

Allele frequency attached by ClinVar (database versions not stated): 1000 Genomes Project 30x 0.08354; 1000 Genomes Project 0.08626; ExAC 0.09980; TOPMed 0.10572; gnomAD 0.10667; gnomAD exomes 0.12013 and 0.12449.
gnomAD v4.1: 190,272 of 1,550,144 alleles (12%); highest among the groups gnomAD compares: East Asian, 17%; 12,615 homozygotes.

Submissions (6):

Labcorp Genetics (formerly Invitae), Labcorp
Classification: Benign. Last evaluated: 2026-02-03. Review status: criteria provided, single submitter. Criteria: Invitae Variant Classification Sherloc (09022015). Collection method: clinical testing. Allele origin: germline.

ARUP Laboratories, Molecular Genetics and Genomics, ARUP Laboratories
Classification: Benign. Last evaluated: 2025-07-31. Review status: criteria provided, single submitter. Criteria: ARUP Molecular Germline Variant Investigation Process 2024. Collection method: clinical testing. Allele origin: germline.

Blueprint Genetics
Classification: Benign. Last evaluated: 2024-11-27. Review status: criteria provided, single submitter. Criteria: ACMG Guidelines, 2015. Collection method: clinical testing. Allele origin: germline.

Mayo Clinic Laboratories, Mayo Clinic
Classification: Benign. Last evaluated: 2016-04-27. Review status: criteria provided, single submitter. Criteria: ACMG Guidelines, 2015. Collection method: clinical testing. Allele origin: germline. Observed: 543 variant alleles.

GeneDx
Classification: Benign. Last evaluated: 2015-12-21. Review status: criteria provided, single submitter. Criteria: GeneDx Variant Classification (06012015). Collection method: clinical testing. Allele origin: germline. Affected: yes.
Comment: This variant is considered likely benign or benign based on one or more of the following criteria: it is a conservative change, it occurs at a poorly conserved position in the protein, it is predicted to be benign by multiple in silico algorithms, and/or has population frequency not consistent with disease.

Breakthrough Genomics
Classification: Benign. Review status: criteria provided, single submitter. Criteria: ACMG Guidelines, 2015. Collection method: not provided. Allele origin: germline. Inheritance: Autosomal recessive inheritance. Affected: yes.

NM_001142864.4(PIEZO1):c.7500C>T (p.Tyr2500=)

Gene: PIEZO1 (piezo type mechanosensitive ion channel component 1 (Er blood group); minus strand). Cytogenetic location: 16q24.3.
Variant type: single nucleotide variant.
Coding change: c.7500C>T on transcript NM_001142864.4 (MANE Select); coding-DNA position 7500, C replaced by T.
Protein change: p.Tyr2500=; no amino-acid change (tyrosine 2500 retained).
Molecular consequence: synonymous variant.
Genome position (GRCh38, 1-based): chr16:88,715,671, G>A on the plus strand (C>T on the coding strand, the complement: PIEZO1 is on the minus strand). VCF-style: chr16-88715671-G-A. GRCh37 (hg19) VCF-style: chr16-88782079-G-A.
Other names: p.Tyr2500=; c.7500C>T, p.Tyr2500= (LRG_1137t1).
Identifiers: ClinVar variation 381962 (VCV000381962.27), dbSNP rs1061228, ClinGen allele CA8231304.